The following is an entry in ClinVar:

ClinVar aggregate classification (germline): Conflicting classifications of pathogenicity. Review status: criteria provided, conflicting classifications (1 of 4 stars). 2 submissions from 2 submitters: Uncertain significance (1); Likely benign (1). Last evaluated 2021-06-24.

Conditions:
Progressive myoclonic epilepsy. Also called: Myoclonus epilepsy; Progressive myoclonus epilepsy; Familial progressive myoclonic epilepsy; Myoclonic Epilepsies, Progressive. Identifiers: Orphanet 308, Orphanet 98261, MedGen C0751778, MONDO:0020074.

Allele frequency attached by ClinVar (database versions not stated): gnomAD exomes below 0.00001 and 0.00002; gnomAD 0.00001; ExAC 0.00002; TOPMed 0.00003.
gnomAD v4.1: 8 of 1,614,116 alleles (0.0005%); highest among the groups gnomAD compares: African/African-American, 0.0027%; no homozygotes.

Submissions (2):

Labcorp Genetics (formerly Invitae), Labcorp
Classification: Uncertain significance for Progressive myoclonic epilepsy. Last evaluated: 2021-06-24. Review status: criteria provided, single submitter. Criteria: Invitae Variant Classification Sherloc (09022015). Collection method: clinical testing. Allele origin: germline.
Comment: This variant has not been reported in the literature in individuals with EPM2A-related conditions. ClinVar contains an entry for this variant (Variation ID: 205423). Algorithms developed to predict the effect of missense changes on protein structure and function output the following: SIFT: "Tolerated"; PolyPhen-2: "Benign"; Align-GVGD: "Class C0". The histidine amino acid residue is found in multiple mammalian species, suggesting that this missense change does not adversely affect protein function. These predictions have not been confirmed by published functional studies and their clinical significance is uncertain. In summary, the available evidence is currently insufficient to determine the role of this variant in disease. Therefore, it has been classified as a Variant of Uncertain Significance. This variant is present in population databases (rs777308612, ExAC 0.02%). This sequence change replaces arginine with histidine at codon 325 of the EPM2A protein (p.Arg325His). The arginine residue is moderately conserved and there is a small physicochemical difference between arginine and histidine.

GeneDx
Classification: Likely benign. Last evaluated: 2014-03-13. Review status: criteria provided, single submitter. Criteria: GeneDx Variant Classification (06012015). Collection method: clinical testing. Allele origin: germline. Affected: yes.
Comment: This variant is considered likely benign or benign based on one or more of the following criteria: it is a conservative change, it occurs at a poorly conserved position in the protein, it is predicted to be benign by multiple in silico algorithms, and/or has population frequency not consistent with disease.

NM_005670.4(EPM2A):c.974G>A (p.Arg325His)

Gene: EPM2A (EPM2A glucan phosphatase, laforin; minus strand). Cytogenetic location: 6q24.3.
Variant type: single nucleotide variant.
Coding change: c.974G>A on transcript NM_005670.4 (MANE Select); coding-DNA position 974, G replaced by A.
Protein change: p.Arg325His; replaces arginine 325 with histidine.
Molecular consequence: missense variant. On other transcripts: 3 prime UTR variant (1), non-coding transcript variant (1), intron variant (1).
Genome position (GRCh38, 1-based): chr6:145,627,438, C>T on the plus strand (G>A on the coding strand, the complement: EPM2A is on the minus strand). VCF-style: chr6-145627438-C-T. GRCh37 (hg19) VCF-style: chr6-145948574-C-T.
Other names: p.R325H:CGT>CAT; c.*57G>A (NM_001360057.2); c.560G>A, p.Arg187His (NM_001360064.2, NM_001360071.2, NM_001368131.1); c.512G>A, p.Arg171His (NM_001368129.2, NM_001368132.1); c.924+50G>A (NM_001018041.2); short protein forms R325H, R187H, R171H.
Identifiers: ClinVar variation 205423 (VCV000205423.10), dbSNP rs777308612, ClinGen allele CA314478.